The following is an entry in ClinVar:

ClinVar aggregate classification (germline): Uncertain significance (1 of 4 stars; one submission).

gnomAD v4.1: 3 of 1,613,856 alleles (0.00019%); highest among the groups gnomAD compares: Non-Finnish European, 0.00025%; no homozygotes.

Submission:

Labcorp Genetics (formerly Invitae), Labcorp
Classification: Uncertain significance. Last evaluated: 2025-08-22. Review status: criteria provided, single submitter. Criteria: Invitae Variant Classification Sherloc (09022015). Collection method: clinical testing. Allele origin: germline.
Comment: This sequence change replaces valine, which is neutral and non-polar, with glycine, which is neutral and non-polar, at codon 228 of the HPS6 protein (p.Val228Gly). This variant is not present in population databases (gnomAD no frequency). This variant has not been reported in the literature in individuals affected with HPS6-related conditions. Invitae Evidence Modeling of protein sequence and biophysical properties (such as structural, functional, and spatial information, amino acid conservation, physicochemical variation, residue mobility, and thermodynamic stability) indicates that this missense variant is not expected to disrupt HPS6 protein function with a negative predictive value of 80%. In summary, the available evidence is currently insufficient to determine the role of this variant in disease. Therefore, it has been classified as a Variant of Uncertain Significance.

NM_024747.6(HPS6):c.683T>G (p.Val228Gly)

Gene: HPS6 (HPS6 biogenesis of lysosomal organelles complex 2 subunit 3; plus strand). Cytogenetic location: 10q24.32.
Variant type: single nucleotide variant.
Coding change: c.683T>G on transcript NM_024747.6 (MANE Select); coding-DNA position 683, T replaced by G.
Protein change: p.Val228Gly; replaces valine 228 with glycine.
Molecular consequence: missense variant.
Genome position (GRCh38, 1-based): chr10:102,066,157, T>G. VCF-style: chr10-102066157-T-G. GRCh37 (hg19) VCF-style: chr10-103825914-T-G.
Other names: short protein forms V228G.
Identifiers: ClinVar variation 4770231 (VCV004770231.1).